The following is an entry in ClinVar:

ClinVar aggregate classification (germline): Likely pathogenic (1 of 4 stars; one submission).

Conditions:
Epidermolysis bullosa simplex 1D, generalized, intermediate or severe, autosomal recessive. Identifiers: Orphanet 89838, MedGen C3715082, MONDO:0010976, OMIM 601001.

Submission:

Neuberg Centre For Genomic Medicine, NCGM
Classification: Likely pathogenic for Epidermolysis bullosa simplex 1D, generalized, intermediate or severe, autosomal recessive. Last evaluated: 2023-06-22. Review status: criteria provided, single submitter. Criteria: ACMG Guidelines, 2015. Collection method: clinical testing. Allele origin: germline. Inheritance: Autosomal recessive inheritance. Affected: yes.
Comment: The observed stop gained c.120C>Ap.Cys40Ter variant in KRT14 gene has not been reported previously as a pathogenic variant nor as a benign variant, to our knowledge. This variant is absent in gnomAD Exomes. This variant is predicted to cause loss of normal protein function either through protein truncation or nonsense-mediated mRNA decay. Loss of function variants have been previously reported to be disease causing. Computational evidence MutationTaster - Disease causing automatic predicts damaging effect on protein structure and function for this variant. For these reasons, this variant has been classified as Likely Pathogenic.

NM_000526.5(KRT14):c.120C>A (p.Cys40Ter)

Gene: KRT14 (keratin 14; minus strand). Cytogenetic location: 17q21.2.
Variant type: single nucleotide variant.
Coding change: c.120C>A on transcript NM_000526.5 (MANE Select); coding-DNA position 120, C replaced by A.
Protein change: p.Cys40Ter; replaces cysteine 40 with a stop codon.
Molecular consequence: nonsense.
Genome position (GRCh38, 1-based): chr17:41,586,715, G>T on the plus strand (C>A on the coding strand, the complement: KRT14 is on the minus strand). VCF-style: chr17-41586715-G-T. GRCh37 (hg19) VCF-style: chr17-39742967-G-T.
Other names: short protein forms C40*.
Identifiers: ClinVar variation 3391196 (VCV003391196.1).